The following is an entry in ClinVar:

NM_001904.4(CTNNB1):c.1653G>A (p.Thr551=)

Genes: CTNNB1 (catenin beta 1; plus strand), LOC126806659 (BRD4-independent group 4 enhancer GRCh37_chr3:41274918-41276117; plus strand). Cytogenetic location: 3p22.1.
Variant type: single nucleotide variant.
Coding change: c.1653G>A on transcript NM_001904.4 (MANE Select); coding-DNA position 1653, G replaced by A.
Protein change: p.Thr551=; no amino-acid change (threonine 551 retained).
Molecular consequence: synonymous variant.
Genome position (GRCh38, 1-based): chr3:41,234,267, G>A. VCF-style: chr3-41234267-G-A. GRCh37 (hg19) VCF-style: chr3-41275758-G-A.
Other names: c.1653G>A, p.Thr551= (NM_001098209.2, NM_001098210.2); c.1632G>A, p.Thr544= (NM_001330729.2).
Identifiers: ClinVar variation 726387 (VCV000726387.13), dbSNP rs138539284, ClinGen allele CA2331131.
Genomic context (GRCh38, chr3:41,234,267, plus strand): 5'-TGCCATTCCACGACTAGTTCAGTTGCTTGTTCGTGCACATCAGGATACCCAGCGCCGTAC[G>A]TCCATGGGTGGGACACAGCAGCAATTTGTGGTAGGTAAATTCTTACAGTGATACCTGGCT-3'
Protein context (NP_001895.1, residues 541-561): VRAHQDTQRR[Thr551=]SMGGTQQQFV

ClinVar aggregate classification (germline): Benign/Likely benign. Review status: criteria provided, multiple submitters, no conflicts (2 of 4 stars). 4 submissions from 4 submitters: Benign (2); Likely benign (1). 1 of the submissions does not count toward it. Last evaluated 2025-09-08.

Conditions:
CTNNB1-related disorder. Also called: CTNNB1-related condition.

Allele frequency attached by ClinVar (database versions not stated): gnomAD 0.00003 and 0.00009; TOPMed 0.00011; 1000 Genomes Project 30x 0.00031; 1000 Genomes Project 0.00040.
gnomAD v4.1: 127 of 1,614,182 alleles (0.0079%); highest among the groups gnomAD compares: East Asian, 0.18%; 1 homozygote.

Submissions (4):

Labcorp Genetics (formerly Invitae), Labcorp
Classification: Benign. Last evaluated: 2025-09-08. Review status: criteria provided, single submitter. Criteria: Invitae Variant Classification Sherloc (09022015). Collection method: clinical testing. Allele origin: germline.

Blueprint Genetics
Classification: Likely benign. Last evaluated: 2024-11-14. Review status: criteria provided, single submitter. Criteria: ACMG Guidelines, 2015. Collection method: clinical testing. Allele origin: germline.

GeneDx
Classification: Benign. Last evaluated: 2019-04-29. Review status: criteria provided, single submitter. Criteria: GeneDx Variant Classification Process June 2021. Collection method: clinical testing. Allele origin: germline. Affected: yes.

PreventionGenetics, part of Exact Sciences
Classification: Likely benign for CTNNB1-related condition. Last evaluated: 2019-07-04. Review status: no assertion criteria provided. Collection method: clinical testing. Allele origin: germline. Not counted in ClinVar's aggregate classification.
Comment: This variant is classified as likely benign based on ACMG/AMP sequence variant interpretation guidelines (Richards et al. 2015 PMID: 25741868, with internal and published modifications).